The following is an entry in ClinVar:

ClinVar aggregate classification (germline): Uncertain significance (1 of 4 stars; one submission).

Allele frequency attached by ClinVar (database versions not stated): gnomAD exomes below 0.00001 and 0.00002; TOPMed 0.00001.
gnomAD v4.1: 29 of 1,589,490 alleles (0.0018%); highest among the groups gnomAD compares: Non-Finnish European, 0.0025%; no homozygotes.

Submission:

Labcorp Genetics (formerly Invitae), Labcorp
Classification: Uncertain significance. Last evaluated: 2022-02-04. Review status: criteria provided, single submitter. Criteria: Invitae Variant Classification Sherloc (09022015). Collection method: clinical testing. Allele origin: germline.
Comment: The frequency data for this variant in the population databases is considered unreliable, as metrics indicate poor data quality at this position in the gnomAD database. In summary, the available evidence is currently insufficient to determine the role of this variant in disease. Therefore, it has been classified as a Variant of Uncertain Significance. Algorithms developed to predict the effect of missense changes on protein structure and function (SIFT, PolyPhen-2, Align-GVGD) all suggest that this variant is likely to be tolerated. This variant has not been reported in the literature in individuals affected with NEUROG3-related conditions. This sequence change replaces cysteine, which is neutral and slightly polar, with phenylalanine, which is neutral and non-polar, at codon 202 of the NEUROG3 protein (p.Cys202Phe).

NM_020999.4(NEUROG3):c.605G>T (p.Cys202Phe)

Gene: NEUROG3 (neurogenin 3; minus strand). Cytogenetic location: 10q22.1.
Variant type: single nucleotide variant.
Coding change: c.605G>T on transcript NM_020999.4 (MANE Select); coding-DNA position 605, G replaced by T.
Protein change: p.Cys202Phe; replaces cysteine 202 with phenylalanine.
Molecular consequence: missense variant.
Genome position (GRCh38, 1-based): chr10:69,572,439, C>A on the plus strand (G>T on the coding strand, the complement: NEUROG3 is on the minus strand). VCF-style: chr10-69572439-C-A. GRCh37 (hg19) VCF-style: chr10-71332195-C-A.
Other names: short protein forms C202F.
Identifiers: ClinVar variation 1438534 (VCV001438534.8), dbSNP rs1318653780, ClinGen allele CA376921262.